The following is an entry in ClinVar:

ClinVar aggregate classification (germline): Uncertain significance (1 of 4 stars; one submission).

Submission:

Labcorp Genetics (formerly Invitae), Labcorp
Classification: Uncertain significance. Last evaluated: 2024-08-01. Review status: criteria provided, single submitter. Criteria: Invitae Variant Classification Sherloc (09022015). Collection method: clinical testing. Allele origin: germline.
Comment: This sequence change replaces tyrosine, which is neutral and polar, with histidine, which is basic and polar, at codon 1672 of the CDH23 protein (p.Tyr1672His). This variant is not present in population databases (gnomAD no frequency). This variant has not been reported in the literature in individuals affected with CDH23-related conditions. Advanced modeling of protein sequence and biophysical properties (such as structural, functional, and spatial information, amino acid conservation, physicochemical variation, residue mobility, and thermodynamic stability) performed at Invitae indicates that this missense variant is expected to disrupt CDH23 protein function with a positive predictive value of 95%. In summary, the available evidence is currently insufficient to determine the role of this variant in disease. Therefore, it has been classified as a Variant of Uncertain Significance.

NM_022124.6(CDH23):c.5014T>C (p.Tyr1672His)

Gene: CDH23 (cadherin related 23; plus strand). Cytogenetic location: 10q22.1.
Variant type: single nucleotide variant.
Coding change: c.5014T>C on transcript NM_022124.6 (MANE Select); coding-DNA position 5014, T replaced by C.
Protein change: p.Tyr1672His; replaces tyrosine 1672 with histidine.
Molecular consequence: missense variant.
Genome position (GRCh38, 1-based): chr10:71,777,848, T>C. VCF-style: chr10-71777848-T-C. GRCh37 (hg19) VCF-style: chr10-73537605-T-C.
Other names: short protein forms Y1672H.
Identifiers: ClinVar variation 3691018 (VCV003691018.2).